The following is an entry in ClinVar:

NM_006262.4(PRPH):c.272T>C (p.Leu91Pro)

Genes: PRPH (peripherin; plus strand), TROAP-AS1 (TROAP and PRPH antisense RNA 1; minus strand). Cytogenetic location: 12q13.12.
Variant type: single nucleotide variant.
Coding change: c.272T>C on transcript NM_006262.4 (MANE Select); coding-DNA position 272, T replaced by C.
Protein change: p.Leu91Pro; replaces leucine 91 with proline.
Molecular consequence: missense variant. On other transcripts: non-coding transcript variant (1).
Genome position (GRCh38, 1-based): chr12:49,295,472, T>C. VCF-style: chr12-49295472-T-C. GRCh37 (hg19) VCF-style: chr12-49689255-T-C.
Other names: short protein forms L91P.
Identifiers: ClinVar variation 4980778 (VCV004980778.1).
Genomic context (GRCh38, chr12:49,295,472, plus strand): 5'-TGCGCCTGCCCTCGGAGCGCCTCGACTTCTCCATGGCCGAGGCCCTCAACCAGGAGTTCC[T>C]GGCCACGCGCAGCAACGAGAAGCAGGAGCTGCAGGAGCTCAACGACCGCTTCGCCAACTT-3'
Protein context (NP_006253.2, residues 81-101): SMAEALNQEF[Leu91Pro]ATRSNEKQEL

ClinVar aggregate classification (germline): Uncertain significance (1 of 4 stars; one submission).

Conditions:
PRPH-related disorder. Also called: PRPH-related condition.

Submission:

PreventionGenetics, part of Exact Sciences
Classification: Uncertain significance for PRPH-related condition. Last evaluated: 2025-03-25. Review status: criteria provided, single submitter. Criteria: ACMG Guidelines, 2015. Collection method: clinical testing. Allele origin: germline.
Comment: The PRPH c.272T>C variant is predicted to result in the amino acid substitution p.Leu91Pro. This variant was reported in an individual with amyotrophic lateral sclerosis (ALS, Table S7, Couthouis et al. 2014. PubMed ID: 25299611). This variant is reported in 0.0086% of alleles in individuals of African descent in gnomAD. At this time, the clinical significance of this variant is uncertain due to the absence of conclusive functional and genetic evidence.